The following is an entry in ClinVar:

ClinVar aggregate classification (germline): Uncertain significance. Review status: criteria provided, multiple submitters, no conflicts (2 of 4 stars). 2 submissions from 2 submitters: Uncertain significance (2). Last evaluated 2025-03-28.

Allele frequency attached by ClinVar (database versions not stated): gnomAD 0.00001; TOPMed 0.00001; gnomAD exomes 0.00002; ExAC 0.00001.
gnomAD v4.1: 57 of 1,614,112 alleles (0.0035%); highest among the groups gnomAD compares: Non-Finnish European, 0.0048%; 1 homozygote.

Submissions (2):

Mayo Clinic Laboratories, Mayo Clinic
Classification: Uncertain significance. Last evaluated: 2025-03-28. Review status: criteria provided, single submitter. Criteria: ACMG Guidelines, 2015. Collection method: clinical testing. Allele origin: germline. Observed: 1 variant allele.
Comment: BP4_moderate

Eurofins Ntd Llc (ga)
Classification: Uncertain significance. Last evaluated: 2017-02-17. Review status: criteria provided, single submitter. Criteria: EGL Classification Definitions 2015. Collection method: clinical testing. Allele origin: germline. Observed: 1 variant allele, 1 heterozygote.

NM_001044.5(SLC6A3):c.170C>T (p.Ala57Val)

Gene: SLC6A3 (solute carrier family 6 member 3). Cytogenetic location: 5p15.33.
Variant type: single nucleotide variant.
Coding change: c.170C>T on transcript NM_001044.5 (MANE Select); coding-DNA position 170, C replaced by T.
Protein change: p.Ala57Val; replaces alanine 57 with valine.
Molecular consequence: missense variant.
Genome position (GRCh38, 1-based): chr5:1,443,028, G>A on the plus strand (C>T on the coding strand, the complement: SLC6A3 is on the minus strand). VCF-style: chr5-1443028-G-A. GRCh37 (hg19) VCF-style: chr5-1443143-G-A.
Other names: p.Ala57Val; short protein forms A57V.
Identifiers: ClinVar variation 499823 (VCV000499823.6), dbSNP rs766786798, ClinGen allele CA3186462.